The following is an entry in ClinVar:

ClinVar aggregate classification (germline): Pathogenic. Review status: criteria provided, multiple submitters, no conflicts (2 of 4 stars). 10 submissions from 10 submitters: Pathogenic (9). 1 of the submissions does not count toward it. Last evaluated 2025-06-13.

Conditions:
Poirier-Bienvenu neurodevelopmental syndrome (POBINDS). Identifiers: Orphanet 689397, MedGen C5231482, MONDO:0032889, OMIM 618732.
Inborn genetic diseases. Identifiers: MedGen C0950123, MeSH D030342.
CSNK2B-related disorder. Also called: CSNK2B-related condition.

Submissions (10):

3billion
Classification: Pathogenic for Poirier-Bienvenu neurodevelopmental syndrome. Last evaluated: 2025-06-13. Review status: criteria provided, single submitter. Criteria: ACMG Guidelines, 2015. Collection method: clinical testing. Allele origin: germline. Affected: yes.
Comment: The variant is not observed in the gnomAD v4.1.0 dataset. Predicted Consequence/Location: Stop-gained (nonsense): predicted to result in a loss or disruption of normal protein function through nonsense-mediated decay (NMD) or protein truncation. Multiple pathogenic variants are reported downstream of the variant. The variant has been reported at least twice as pathogenic with clinical assertions and evidence for the classification (ClinVar ID: VCV000426599 /PMID: 33166063 /3billion dataset). Therefore, this variant is classified as Pathogenic according to the recommendation of ACMG/AMP guideline.

Ambry Genetics
Classification: Pathogenic for Inborn genetic diseases. Last evaluated: 2025-02-28. Review status: criteria provided, single submitter. Criteria: Ambry Variant Classification Scheme 2023. Collection method: clinical testing. Allele origin: germline.
Comment: The c.139C>T (p.R47*) alteration, located in exon 3 (coding exon 2) of the CSNK2B gene, consists of a C to T substitution at nucleotide position 139. This changes the amino acid from an arginine (R) to a stop codon at amino acid position 47. This alteration is expected to result in loss of function by premature protein truncation or nonsense-mediated mRNA decay. This variant was not reported in population-based cohorts in the Genome Aggregation Database (gnomAD). This variant was reported in individual(s) with features consistent with CSNK2B-related neurodevelopmental disorder; in at least one individual, it was determined to be de novo (Ernst, 2021; Selvam, 2021). Based on the available evidence, this alteration is classified as pathogenic.

Revvity Omics, Revvity
Classification: Pathogenic for Poirier-Bienvenu neurodevelopmental syndrome. Last evaluated: 2024-05-23. Review status: criteria provided, single submitter. Criteria: ACMG Guidelines, 2015. Collection method: clinical testing. Allele origin: germline.

GeneDx
Classification: Pathogenic. Last evaluated: 2024-05-06. Review status: criteria provided, single submitter. Criteria: GeneDx Variant Classification Process June 2021. Collection method: clinical testing. Allele origin: germline. Affected: yes.
Comment: Nonsense variant predicted to result in protein truncation or nonsense mediated decay in a gene for which loss-of-function is a known mechanism of disease; Not observed at significant frequency in large population cohorts (gnomAD); This variant is associated with the following publications: (PMID: 33057194, 35982159, 33166063, 34041744, 37717460)

Blueprint Genetics
Classification: Pathogenic for CSNK2B-related disorders. Last evaluated: 2023-10-17. Review status: criteria provided, single submitter. Criteria: ACMG Guidelines, 2015. Collection method: clinical testing. Allele origin: germline. Affected: yes. Observed: 3 variant alleles.

Women's Health and Genetics/Laboratory Corporation of America, LabCorp
Classification: Pathogenic for Poirier-Bienvenu neurodevelopmental syndrome. Last evaluated: 2022-12-08. Review status: criteria provided, single submitter. Criteria: LabCorp Variant Classification Summary - May 2015. Collection method: clinical testing. Allele origin: germline.
Comment: Variant summary: CSNK2B c.139C>T (p.Arg47X) results in a premature termination codon, predicted to cause a truncation of the encoded protein or absence of the protein due to nonsense mediated decay. Truncations downstream of this position have been reported in HGMD in association with Poirier-Bienvenu neurodevelopmental syndrome, Intellectual disability and Epilepsy. The variant was absent in 220452 control chromosomes. c.139C>T has been reported in the literature in two individuals in the de novo state, one with intellectual disability, seizures and autistic features, and the second with intellectual disability, seizures and postnatal growth retardation (Ernst_2021, Selvam_2021). These data indicate that the variant is likely to be associated with disease. To our knowledge, no experimental evidence demonstrating an impact on protein function has been reported. Three clinical diagnostic laboratories have submitted clinical-significance assessments for this variant to ClinVar after 2014 without evidence for independent evaluation. All laboratories classified the variant as pathogenic. Based on the evidence outlined above, the variant was classified as pathogenic.

Institute of Human Genetics, University of Leipzig Medical Center
Classification: Pathogenic for Poirier-Bienvenu neurodevelopmental syndrome. Last evaluated: 2022-12-07. Review status: criteria provided, single submitter. Criteria: ACMG Guidelines, 2015. Collection method: clinical testing. Allele origin: unknown. Inheritance: Autosomal dominant inheritance. Affected: yes.

CeGaT Center for Human Genetics Tuebingen
Classification: Pathogenic. Last evaluated: 2021-01-01. Review status: criteria provided, single submitter. Criteria: CeGaT Center For Human Genetics Tuebingen Variant Classification Criteria Version 2. Collection method: clinical testing. Allele origin: germline. Affected: yes. Observed: 1 variant allele.

Laboratoire de Génétique Moléculaire, CHU Bordeaux
Classification: Pathogenic. Review status: criteria provided, single submitter. Criteria: ACMG Guidelines, 2015. Collection method: clinical testing. Allele origin: germline. Affected: yes.

PreventionGenetics, part of Exact Sciences
Classification: Pathogenic for CSNK2B-related condition. Last evaluated: 2023-11-27. Review status: no assertion criteria provided. Collection method: clinical testing. Allele origin: germline. Not counted in ClinVar's aggregate classification.
Comment: The CSNK2B c.139C>T variant is predicted to result in premature protein termination (p.Arg47*). This variant has been reported, with de novo occurrence, in individuals with Intellectual disability, epilepsy and abnormal linear growth (Selvam et al. 2021. PubMed ID: 33166063; Ernst et al. 2021. PubMed ID: 34041744). This variant has not been reported in a large population database, indicating this variant is rare. Nonsense variants in CSNK2B are expected to be pathogenic. This variant is interpreted as pathogenic.

Literature cited by the submitters: PubMed 33166063 (cited by 3 submitters); PubMed 34041744 (cited by Ambry Genetics and Women's Health and Genetics/Laboratory Corporation of America, LabCorp).

NM_001320.7(CSNK2B):c.139C>T (p.Arg47Ter)

Gene: CSNK2B (casein kinase 2 beta; plus strand). Cytogenetic location: 6p21.33.
Variant type: single nucleotide variant.
Coding change: c.139C>T on transcript NM_001320.7 (MANE Select); coding-DNA position 139, C replaced by T.
Protein change: p.Arg47Ter; replaces arginine 47 with a stop codon.
Molecular consequence: nonsense.
Genome position (GRCh38, 1-based): chr6:31,667,934, C>T. VCF-style: chr6-31667934-C-T. GRCh37 (hg19) VCF-style: chr6-31635711-C-T.
Other names: c.139C>T, p.Arg47Ter (NM_001282385.2); short protein forms R47*.
Identifiers: ClinVar variation 426599 (VCV000426599.51), dbSNP rs1085307703, ClinGen allele CA363472204.